The following is an entry in ClinVar:

NM_001257291.2(SLC9A7):c.1147+1G>T

Gene: SLC9A7 (solute carrier family 9 member A7; minus strand). Cytogenetic location: Xp11.3.
Variant type: single nucleotide variant.
Coding change: c.1147+1G>T on transcript NM_001257291.2 (MANE Select); the canonical splice donor site of the intron after coding-DNA position 1147, G replaced by T.
Molecular consequence: splice donor variant.
Genome position (GRCh38, 1-based): chrX:46,653,608, C>A on the plus strand (G>T on the coding strand, the complement: SLC9A7 is on the minus strand). VCF-style: chrX-46653608-C-A. GRCh37 (hg19) VCF-style: chrX-46513043-C-A.
Other names: c.1144+1G>T (NM_032591.3).
Identifiers: ClinVar variation 1703107 (VCV001703107.3), dbSNP rs1943619101, ClinGen allele CA413035864.
Genomic context (GRCh38, chrX:46,653,608, plus strand): 5'-AAGTTCCCACAGACCCCACTACAGTGAGGGGAAGGGTGGTCCAAGAGTAGAAAAAACCTA[C>A]CTGTAAATCCGCAGGCTTCTGCCAAGAGAAACGTGCTCCAGGACATGAGGAAGAACAGCG-3'

ClinVar aggregate classification (germline): Uncertain significance (1 of 4 stars; one submission).

Allele frequency attached by ClinVar (database versions not stated): TOPMed below 0.00001.

Submission:

Greenwood Genetic Center Diagnostic Laboratories, Greenwood Genetic Center
Classification: Uncertain significance. Last evaluated: 2022-06-15. Review status: criteria provided, single submitter. Criteria: ACMG Guidelines, 2015. Collection method: clinical testing. Allele origin: germline. Affected: yes.
Comment: Gene of Uncertain Significance